The following is an entry in ClinVar:

NM_000548.5(TSC2):c.4570-14T>C

Gene: TSC2 (TSC complex subunit 2; plus strand). Cytogenetic location: 16p13.3.
Variant type: single nucleotide variant.
Coding change: c.4570-14T>C on transcript NM_000548.5 (MANE Select); 14 bases into the intron before coding-DNA position 4570, T replaced by C.
Molecular consequence: intron variant.
Genome position (GRCh38, 1-based): chr16:2,085,216, T>C. VCF-style: chr16-2085216-T-C. GRCh37 (hg19) VCF-style: chr16-2135217-T-C.
Other names: c.4501-14T>C (NM_001114382.3); c.4441-14T>C (NM_021055.3, NM_001370405.1); c.4372-14T>C (NM_001363528.2); c.4438-14T>C (NM_001370404.1); c.4369-14T>C (NM_001077183.3); c.4261-14T>C (NM_001318827.2); c.3838-14T>C (NM_001318831.2); c.4225-14T>C (NM_001318829.2); and 1 more.
Identifiers: ClinVar variation 1464233 (VCV001464233.9), dbSNP rs2151549125, ClinGen allele CA2573151925.

ClinVar aggregate classification (germline): Likely benign. Review status: criteria provided, multiple submitters, no conflicts (2 of 4 stars). 2 submissions from 2 submitters: Likely benign (2). Last evaluated 2025-06-04.

Conditions:
Tuberous sclerosis 2 (TSC2). Identifiers: Orphanet 805, MedGen C1860707, MONDO:0013199, OMIM 613254.

Submissions (2):

Myriad Genetics, Inc.
Classification: Likely benign for Tuberous sclerosis 2. Last evaluated: 2025-06-04. Review status: criteria provided, single submitter. Criteria: Myriad Autosomal Dominant, Autosomal Recessive and X-Linked Classification Criteria (2023). Collection method: clinical testing. Allele origin: unknown.
Comment: This variant is considered likely benign. This variant is intronic and is not expected to impact mRNA splicing.

Labcorp Genetics (formerly Invitae), Labcorp
Classification: Likely benign for Tuberous sclerosis 2. Last evaluated: 2025-04-23. Review status: criteria provided, single submitter. Criteria: Invitae Variant Classification Sherloc (09022015). Collection method: clinical testing. Allele origin: germline.